The following is an entry in ClinVar:

ClinVar aggregate classification (germline): Uncertain significance. Review status: criteria provided, multiple submitters, no conflicts (2 of 4 stars). 3 submissions from 3 submitters: Uncertain significance (3). Last evaluated 2025-09-05.

Conditions:
Cenani-Lenz syndactyly syndrome. Also called: SYNDACTYLY, TYPE VII; CENANI SYNDACTYLISM. Identifiers: Orphanet 3258, MedGen C1859309, MONDO:0008931, OMIM 212780.
Congenital myasthenic syndrome 17. Identifiers: Orphanet 590, MedGen C4225377, MONDO:0014578, OMIM 616304.
Sclerosteosis 2 (SOST2). Identifiers: Orphanet 3152, MedGen C3280402, MONDO:0013679, OMIM 614305.
Inborn genetic diseases. Identifiers: MedGen C0950123, MeSH D030342.

Allele frequency attached by ClinVar (database versions not stated): ExAC 0.00001; gnomAD 0.00001; gnomAD exomes 0.00001; TOPMed 0.00001.
gnomAD v4.1: 27 of 1,612,124 alleles (0.0017%); highest among the groups gnomAD compares: Non-Finnish European, 0.0016%; no homozygotes.

Submissions (3):

Ambry Genetics
Classification: Uncertain significance for Inborn genetic diseases. Last evaluated: 2025-09-05. Review status: criteria provided, single submitter. Criteria: Ambry Variant Classification Scheme 2023. Collection method: clinical testing. Allele origin: germline.

Fulgent Genetics
Classification: Uncertain significance for Cenani-Lenz syndactyly syndrome; Sclerosteosis 2; Congenital myasthenic syndrome 17. Last evaluated: 2022-03-10. Review status: criteria provided, single submitter. Criteria: ACMG Guidelines, 2015. Collection method: clinical testing. Allele origin: unknown.

Labcorp Genetics (formerly Invitae), Labcorp
Classification: Uncertain significance for Cenani-Lenz syndactyly syndrome; Sclerosteosis 2; Congenital myasthenic syndrome 17. Last evaluated: 2019-12-23. Review status: criteria provided, single submitter. Criteria: Invitae Variant Classification Sherloc (09022015). Collection method: clinical testing. Allele origin: germline.
Comment: In summary, the available evidence is currently insufficient to determine the role of this variant in disease. Therefore, it has been classified as a Variant of Uncertain Significance. Algorithms developed to predict the effect of missense changes on protein structure and function are either unavailable or do not agree on the potential impact of this missense change (SIFT: "Deleterious"; PolyPhen-2: "Possibly Damaging"; Align-GVGD: "Class C0"). This variant has not been reported in the literature in individuals with LRP4-related conditions. This variant is present in population databases (rs760105990, ExAC 0.002%). This sequence change replaces glutamic acid with lysine at codon 504 of the LRP4 protein (p.Glu504Lys). The glutamic acid residue is highly conserved and there is a small physicochemical difference between glutamic acid and lysine.

NM_002334.4(LRP4):c.1510G>A (p.Glu504Lys)

Gene: LRP4 (LDL receptor related protein 4; minus strand). Cytogenetic location: 11p11.2.
Variant type: single nucleotide variant.
Coding change: c.1510G>A on transcript NM_002334.4 (MANE Select); coding-DNA position 1510, G replaced by A.
Protein change: p.Glu504Lys; replaces glutamic acid 504 with lysine.
Molecular consequence: missense variant.
Genome position (GRCh38, 1-based): chr11:46,894,619, C>T on the plus strand (G>A on the coding strand, the complement: LRP4 is on the minus strand). VCF-style: chr11-46894619-C-T. GRCh37 (hg19) VCF-style: chr11-46916170-C-T.
Other names: short protein forms E504K.
Identifiers: ClinVar variation 654024 (VCV000654024.10), dbSNP rs760105990, ClinGen allele CA5970130.
Genomic context (GRCh38, chr11:46,894,619, plus strand): 5'-TGCCCCTCTCCATGGGGCCTTGTTCCCTACCTGGGCTCTCCAGCCCAGTAGACACAACCT[C>T]CTCCACGTTGCTGCCGTTGAGGTTGGCACGGAGGATCCGGTCCAGGGTGACATCTGACCA-3'
Protein context (NP_002325.2, residues 494-514): RANLNGSNVE[Glu504Lys]VVSTGLESPG